The following is an entry in ClinVar:

ClinVar aggregate classification (germline): Uncertain significance (1 of 4 stars; one submission).

Conditions:
Inborn genetic diseases. Identifiers: MedGen C0950123, MeSH D030342.

Allele frequency attached by ClinVar (database versions not stated): gnomAD exomes below 0.00001; gnomAD 0.00001.
gnomAD v4.1: 8 of 1,613,486 alleles (0.0005%); highest among the groups gnomAD compares: African/African-American, 0.0027%; no homozygotes.

Submission:

Ambry Genetics
Classification: Uncertain significance for Inborn genetic diseases. Last evaluated: 2021-02-12. Review status: criteria provided, single submitter. Criteria: Ambry Variant Classification Scheme 2023. Collection method: clinical testing. Allele origin: germline.
Comment: The c.2660C>T (p.T887I) alteration is located in exon 11 (coding exon 10) of the KNL1 gene. This alteration results from a C to T substitution at nucleotide position 2660, causing the threonine (T) at amino acid position 887 to be replaced by an isoleucine (I). The p.T887I alteration is predicted to be tolerated by in silico analysis. Based on insufficient or conflicting evidence, the clinical significance of this alteration remains unclear.

NM_144508.5(KNL1):c.2582C>T (p.Thr861Ile)

Gene: KNL1 (kinetochore scaffold 1; plus strand). Cytogenetic location: 15q15.1.
Variant type: single nucleotide variant.
Coding change: c.2582C>T on transcript NM_144508.5 (MANE Select); coding-DNA position 2582, C replaced by T.
Protein change: p.Thr861Ile; replaces threonine 861 with isoleucine.
Molecular consequence: missense variant.
Genome position (GRCh38, 1-based): chr15:40,622,846, C>T. VCF-style: chr15-40622846-C-T. GRCh37 (hg19) VCF-style: chr15-40915044-C-T.
Other names: c.2660C>T, p.Thr887Ile (NM_170589.5); short protein forms T887I, T861I.
Identifiers: ClinVar variation 2228989 (VCV002228989.2), dbSNP rs1342417132, ClinGen allele CA391741659.